The following is an entry in ClinVar:

NM_001042631.3(SDHAF1):c.98G>A (p.Arg33Gln)

Genes: SDHAF1 (succinate dehydrogenase complex assembly factor 1; plus strand), LOC130064279 (ATAC-STARR-seq lymphoblastoid active region 14513; plus strand). Cytogenetic location: 19q13.12.
Variant type: single nucleotide variant.
Coding change: c.98G>A on transcript NM_001042631.3 (MANE Select); coding-DNA position 98, G replaced by A.
Protein change: p.Arg33Gln; replaces arginine 33 with glutamine.
Molecular consequence: missense variant.
Genome position (GRCh38, 1-based): chr19:35,995,372, G>A. VCF-style: chr19-35995372-G-A. GRCh37 (hg19) VCF-style: chr19-36486274-G-A.
Other names: short protein forms R33Q.
Identifiers: ClinVar variation 4864238 (VCV004864238.1).

ClinVar aggregate classification (germline): Uncertain significance (1 of 4 stars; one submission).

Conditions:
Inborn genetic diseases. Identifiers: MedGen C0950123, MeSH D030342.

Submission:

Ambry Genetics
Classification: Uncertain significance for Inborn genetic diseases. Last evaluated: 2026-05-20. Review status: criteria provided, single submitter. Criteria: Ambry Variant Classification Scheme 2023. Collection method: clinical testing. Allele origin: germline.
Comment: The p.R33Q variant (also known as c.98G>A), located in coding exon 1 of the SDHAF1 gene, results from a G to A substitution at nucleotide position 98. The arginine at codon 33 is replaced by glutamine, an amino acid with highly similar properties. This amino acid position is conserved. In addition, this alteration is predicted to be deleterious by in silico analysis. Based on the available evidence, the clinical significance of this variant remains unclear.